The following is an entry in ClinVar:

ClinVar aggregate classification (germline): Pathogenic. Review status: criteria provided, multiple submitters, no conflicts (2 of 4 stars). 2 submissions from 2 submitters: Pathogenic (2). Last evaluated 2025-07-15.

Conditions:
Multiple congenital anomalies-hypotonia-seizures syndrome 1 (MCAHS1). Also called: GLYCOSYLPHOSPHATIDYLINOSITOL BIOSYNTHESIS DEFECT 3; PIGN-CDG; Congenital disorder of glycosylation due to PIGN deficiency. Identifiers: Orphanet 280633, MedGen C3279775, MONDO:0013563, OMIM 614080.
Inborn genetic diseases. Identifiers: MedGen C0950123, MeSH D030342.

Submissions (2):

Labcorp Genetics (formerly Invitae), Labcorp
Classification: Pathogenic for Multiple congenital anomalies-hypotonia-seizures syndrome 1. Last evaluated: 2025-07-15. Review status: criteria provided, single submitter. Criteria: Invitae Variant Classification Sherloc (09022015). Collection method: clinical testing. Allele origin: germline.
Comment: This sequence change creates a premature translational stop signal (p.Gly800Trpfs*9) in the PIGN gene. It is expected to result in an absent or disrupted protein product. Loss-of-function variants in PIGN are known to be pathogenic (PMID: 24253414, 27038415). The frequency data for this variant in the population databases is considered unreliable, as metrics indicate poor data quality at this position in the gnomAD database. This premature translational stop signal has been observed in individual(s) with PIGN-related conditions (PMID: 24253414, 27038415). ClinVar contains an entry for this variant (Variation ID: 846655). Algorithms developed to predict the effect of sequence changes on RNA splicing suggest that this variant may disrupt the consensus splice site. For these reasons, this variant has been classified as Pathogenic.

Ambry Genetics
Classification: Pathogenic for Inborn genetic diseases. Last evaluated: 2025-05-30. Review status: criteria provided, single submitter. Criteria: Ambry Variant Classification Scheme 2023. Collection method: clinical testing. Allele origin: germline.
Comment: The c.2397dupT (p.G800Wfs*9) alteration, located in exon 26 (coding exon 23) of the PIGN gene, consists of a duplication of T at position 2397, causing a translational frameshift with a predicted alternate stop codon after 9 amino acids. This alteration is expected to result in loss of function by premature protein truncation or nonsense-mediated mRNA decay. This variant was not reported in population-based cohorts in the Genome Aggregation Database (gnomAD). This amino acid position is highly conserved in available vertebrate species. Based on the available evidence, this alteration is classified as pathogenic.

Literature cited by the submitters: PubMed 24253414 (cited by Labcorp Genetics (formerly Invitae), Labcorp); PubMed 27038415 (cited by Labcorp Genetics (formerly Invitae), Labcorp).

NM_176787.5(PIGN):c.2397dup (p.Gly800fs)

Gene: PIGN (phosphatidylinositol glycan anchor biosynthesis class N; minus strand). Cytogenetic location: 18q21.33.
Variant type: Duplication.
Coding change: c.2397dup on transcript NM_176787.5 (MANE Select); coding-DNA position 2397, one base duplicated (T; older notation c.2397dupT).
Protein change: p.Gly800fs; shifts the reading frame from glycine 800.
Molecular consequence: frameshift variant.
Genome position (GRCh38, 1-based): chr18:62,085,238, A duplicated on the plus strand (T on the coding strand, the reverse complement: PIGN is on the minus strand); the first of 6 consecutive A bases (chr18:62,085,238-62,085,243); duplicating any one gives the same sequence. VCF-style (leftmost placement, unchanged base first): chr18-62085237-C-CA. GRCh37 (hg19) VCF-style: chr18-59752470-C-CA.
Other names: c.2397dup, p.Gly800fs (NM_012327.6); short protein forms G800fs.
Identifiers: ClinVar variation 846655 (VCV000846655.12), dbSNP rs867437443, ClinGen allele CA301690852.